The following is an entry in ClinVar:

ClinVar aggregate classification (germline): Pathogenic (1 of 4 stars; one submission).

Conditions:
Polycystic kidney disease, adult type (PKD1). Also called: Polycystic Kidney Disease 1, Autosomal Dominant; Polycystic kidney disease 1; Polycystic kidney disease 1, severe; Polycystic Kidney, Autosomal Dominant; POLYCYSTIC KIDNEY DISEASE 1 WITH OR WITHOUT POLYCYSTIC LIVER DISEASE; POLYCYSTIC KIDNEY DISEASE, ADULT, TYPE I. Identifiers: MedGen C3149841, MONDO:0008263, OMIM 173900.

Submission:

Victorian Clinical Genetics Services, Murdoch Childrens Research Institute
Classification: Pathogenic for Polycystic kidney disease, adult type. Last evaluated: 2022-02-02. Review status: criteria provided, single submitter. Criteria: ACMG Guidelines, 2015. Collection method: clinical testing. Allele origin: germline. Inheritance: Autosomal dominant inheritance.
Comment: Based on the classification scheme VCGS_Germline_v1.3.4, this variant is classified as Pathogenic. Following criteria are met: 0102 - Loss of function is a known mechanism of disease in this gene and is associated with polycystic kidney disease 1 (MIM#173900). (I) 0107 - This gene is associated with autosomal dominant disease. Polycystic kidney disease 1 (MIM#173900) is predominantly caused by monoallelic variants, with rare reports of biallelic variants causing disease (OMIM). (I) 0201 - Variant is predicted to cause nonsense-mediated decay (NMD) and loss of protein (premature termination codon is located at least 54 nucleotides upstream of the final exon-exon junction). (SP) 0251 - This variant is heterozygous. (I) 0301 - Variant is absent from gnomAD (both v2 and v3). (SP) 0701 - Other NMD predicted variants comparable to the one identified in this case have very strong previous evidence for pathogenicity (ClinVar). (SP) 0807 - This variant has no previous evidence of pathogenicity. (I) 0905 - No published segregation evidence has been identified for this variant. (I) 1007 - No published functional evidence has been identified for this variant. (I) 1208 - Inheritance information for this variant is not currently available in this individual. (I) Legend: (SP) - Supporting pathogenic, (I) - Information, (SB) - Supporting benign

NM_001009944.3(PKD1):c.10459dup (p.Thr3487fs)

Gene: PKD1 (polycystin 1, transient receptor potential channel interacting; minus strand). Cytogenetic location: 16p13.3.
Variant type: Duplication.
Coding change: c.10459dup on transcript NM_001009944.3 (MANE Select); coding-DNA position 10459, one base duplicated (A; older notation c.10459dupA).
Protein change: p.Thr3487fs; shifts the reading frame from threonine 3487.
Molecular consequence: frameshift variant.
Genome position (GRCh38, 1-based): chr16:2,097,188, T duplicated on the plus strand (A on the coding strand, the reverse complement: PKD1 is on the minus strand). VCF-style (leftmost placement, unchanged base first): chr16-2097187-G-GT. GRCh37 (hg19) VCF-style: chr16-2147188-G-GT.
Other names: c.10456dup, p.Thr3486fs (NM_000296.4); short protein forms T3486fs, T3487fs.
Identifiers: ClinVar variation 1699199 (VCV001699199.3), dbSNP rs2151725680, ClinGen allele CA2573131727.
Genomic context (GRCh38, chr16:2,097,187, plus strand): 5'-CCCCGAGAGCCGGACACTCACAGGCTGCTGAGCAGGTCCGTTTCCATGTGGGTGTCTTGG[G>GT]TAGGGGCTGGGCTGCTGACCCCCTCGGCAAGGACCTGCTGGATCAGGTCTTCATCTAGAG-3'